The following is an entry in ClinVar:

NM_006785.4(MALT1):c.2338_2340dup (p.Ser780dup)

Gene: MALT1 (MALT1 paracaspase; plus strand). Cytogenetic location: 18q21.32.
Variant type: Duplication.
Coding change: c.2338_2340dup on transcript NM_006785.4 (MANE Select); coding-DNA positions 2338 to 2340, 3 bases duplicated (AGC; older notation c.2338_2340dupAGC).
Protein change: p.Ser780dup; duplicates serine 780.
Molecular consequence: inframe insertion.
Genome position (GRCh38, 1-based): chr18:58,747,705-58,747,707, AGC duplicated; duplicating any 3 consecutive bases within chr18:58,747,703-58,747,707 gives the same sequence; the c. name uses the placement nearest the transcript's 3' end. VCF-style (leftmost placement, unchanged base first): chr18-58747702-T-TGCA. GRCh37 (hg19) VCF-style: chr18-56414934-T-TGCA.
Other names: c.2338_2340dup, p.Ser780dup (LRG_1221t1); c.2305_2307dup, p.Ser769dup (NM_173844.3); c.2338_2340dup (NM_006785.3).
Identifiers: ClinVar variation 662711 (VCV000662711.9), dbSNP rs777601750, ClinGen allele CA8978093.

ClinVar aggregate classification (germline): Uncertain significance. Review status: criteria provided, multiple submitters, no conflicts (2 of 4 stars). 2 submissions from 2 submitters: Uncertain significance (2). Last evaluated 2023-03-31.

Conditions:
Combined immunodeficiency due to MALT1 deficiency. Also called: Immunodeficiency 12. Identifiers: Orphanet 397964, MedGen C3809583, MONDO:0014197, OMIM 615468.

Submissions (2):

Blueprint Genetics
Classification: Uncertain significance. Last evaluated: 2023-03-31. Review status: criteria provided, single submitter. Criteria: ACMG Guidelines, 2015. Collection method: clinical testing. Allele origin: germline.

Labcorp Genetics (formerly Invitae), Labcorp
Classification: Uncertain significance for Combined immunodeficiency due to MALT1 deficiency. Last evaluated: 2022-07-11. Review status: criteria provided, single submitter. Criteria: Invitae Variant Classification Sherloc (09022015). Collection method: clinical testing. Allele origin: germline.
Comment: This variant, c.2338_2340dup, results in the insertion of 1 amino acid(s) of the MALT1 protein (p.Ser780dup), but otherwise preserves the integrity of the reading frame. This variant is present in population databases (rs777601750, gnomAD 0.03%). This variant has not been reported in the literature in individuals affected with MALT1-related conditions. ClinVar contains an entry for this variant (Variation ID: 662711). Experimental studies and prediction algorithms are not available or were not evaluated, and the functional significance of this variant is currently unknown. Algorithms developed to predict the effect of sequence changes on RNA splicing suggest that this variant may create or strengthen a splice site. In summary, the available evidence is currently insufficient to determine the role of this variant in disease. Therefore, it has been classified as a Variant of Uncertain Significance.